The following is an entry in ClinVar:

ClinVar aggregate classification (germline): Conflicting classifications of pathogenicity. Review status: criteria provided, conflicting classifications (1 of 4 stars). 5 submissions from 5 submitters: Uncertain significance (4); Likely benign (1). Last evaluated 2024-07-11.

Conditions:
Hereditary cancer-predisposing syndrome. Also called: Hereditary neoplastic syndrome; Neoplastic Syndromes, Hereditary; Tumor predisposition; Hereditary Cancer Syndrome. Identifiers: Orphanet 140162, MedGen C0027672, MeSH D009386, MONDO:0015356.
Hereditary breast ovarian cancer syndrome. Also called: Hereditary breast and/or ovarian cancer syndrome; BRCA1- and BRCA2-Associated Hereditary Breast and Ovarian Cancer; Hereditary breast and ovarian cancer; Breast and ovarian cancer; Hereditary breast and ovarian cancer syndrome; Hereditary breast and ovarian cancer syndrome (HBOC). Identifiers: Orphanet 145, MedGen C0677776, MeSH D061325, MONDO:0003582. Disease mechanism: loss of function.
Breast-ovarian cancer, familial, susceptibility to, 2 (BROVCA2). Also called: BRCA2 Hereditary Breast and Ovarian Cancer. Identifiers: Orphanet 145, MedGen C2675520, MONDO:0012933, OMIM 612555. Disease mechanism: loss of function.

Submissions (5):

Labcorp Genetics (formerly Invitae), Labcorp
Classification: Uncertain significance for Hereditary breast ovarian cancer syndrome. Last evaluated: 2024-07-11. Review status: criteria provided, single submitter. Criteria: Invitae Variant Classification Sherloc (09022015). Collection method: clinical testing. Allele origin: germline.
Comment: This sequence change replaces serine, which is neutral and polar, with glycine, which is neutral and non-polar, at codon 519 of the BRCA2 protein (p.Ser519Gly). This variant is not present in population databases (gnomAD no frequency). This variant has not been reported in the literature in individuals affected with BRCA2-related conditions. ClinVar contains an entry for this variant (Variation ID: 462239). Advanced modeling of protein sequence and biophysical properties (such as structural, functional, and spatial information, amino acid conservation, physicochemical variation, residue mobility, and thermodynamic stability) performed at Invitae indicates that this missense variant is not expected to disrupt BRCA2 protein function with a negative predictive value of 95%. In summary, the available evidence is currently insufficient to determine the role of this variant in disease. Therefore, it has been classified as a Variant of Uncertain Significance.

Color Diagnostics, LLC DBA Color Health
Classification: Uncertain significance for Hereditary cancer-predisposing syndrome. Last evaluated: 2024-04-09. Review status: criteria provided, single submitter. Criteria: ACMG Guidelines, 2015. Collection method: clinical testing. Allele origin: germline.
Comment: This missense variant replaces serine with glycine at codon 519 of the BRCA2 protein. Computational prediction suggests that this variant may not impact protein structure and function. To our knowledge, functional studies have not been reported for this variant. This variant has not been reported in individuals affected with BRCA2-related disorders in the literature, although it has been reported in an unaffected individual (PMID: 33471991; Leiden Open Variation Database DB-ID BRCA2_007837). This variant has not been identified in the general population by the Genome Aggregation Database (gnomAD). The available evidence is insufficient to determine the role of this variant in disease conclusively. Therefore, this variant is classified as a Variant of Uncertain Significance.

University of Washington Department of Laboratory Medicine, University of Washington
Classification: Likely benign for Hereditary cancer-predisposing syndrome. Last evaluated: 2023-03-23. Review status: criteria provided, single submitter. Criteria: Dines et al. (Genet Med. 2020). Collection method: curation. Allele origin: germline.
Comment: Missense variant in a coldspot region where missense variants are very unlikely to be pathogenic (PMID:31911673).

BRCA2 exon 10 coldspot. Reclassification based on statistical prior probability.

Liquid Biopsy and Cancer Interception Group, Pfizer-University of Granada-Junta de Andalucía Centre for Genomics and Oncological Research
Classification: Uncertain significance for Breast-ovarian cancer, familial, susceptibility to, 2. Review status: criteria provided, single submitter. Criteria: ACMG Guidelines, 2015. Collection method: clinical testing. Allele origin: germline. Affected: no. Observed: 1 variant allele.

Neuberg Centre For Genomic Medicine, NCGM
Classification: Uncertain significance for Breast-ovarian cancer, familial, susceptibility to, 2. Review status: criteria provided, single submitter. Criteria: ACMG Guidelines, 2015. Collection method: clinical testing. Allele origin: germline. Inheritance: Autosomal dominant inheritance. Affected: yes.
Comment: The missense variant in c.1555A>G (p.Ser519Gly) in BRCA2 gene has not been reported previously as a pathogenic variant nor as a benign variant, to our knowledge. The p.Ser519Gly variant is novel (not in any individuals) in gnomAD Exomes and 1000 Genomes. This variant has been reported to the ClinVar database as Variant of Uncertain Significance. The amino acid Ser at position 519 is changed to a Gly changing protein sequence and it might alter its composition and physico-chemical properties. The amino acid change p.Ser519Gly in BRCA2 is predicted as conserved by GERP++. For these reasons, this variant has been classified as Variant of Uncertain Significance (VUS)

Literature cited by the submitters: PubMed 33471991 (cited by Color Diagnostics, LLC DBA Color Health).

NM_000059.4(BRCA2):c.1555A>G (p.Ser519Gly)

Gene: BRCA2 (BRCA2 DNA repair associated; plus strand). Cytogenetic location: 13q13.1.
Variant type: single nucleotide variant.
Coding change: c.1555A>G on transcript NM_000059.4 (MANE Select); coding-DNA position 1555, A replaced by G.
Protein change: p.Ser519Gly; replaces serine 519 with glycine.
Molecular consequence: missense variant.
Genome position (GRCh38, 1-based): chr13:32,333,033, A>G. VCF-style: chr13-32333033-A-G. GRCh37 (hg19) VCF-style: chr13-32907170-A-G.
Other names: short protein forms S519G.
Identifiers: ClinVar variation 462239 (VCV000462239.18), dbSNP rs1555281950, ClinGen allele CA387764677.